The following is an entry in ClinVar:

NM_012123.4(MTO1):c.2064A>G (p.Gln688=)

Gene: MTO1 (mitochondrial tRNA translation optimization 1; plus strand). Cytogenetic location: 6q13.
Variant type: single nucleotide variant.
Coding change: c.2064A>G on transcript NM_012123.4 (MANE Select); coding-DNA position 2064, A replaced by G.
Protein change: p.Gln688=; no amino-acid change (glutamine 688 retained).
Molecular consequence: synonymous variant.
Genome position (GRCh38, 1-based): chr6:73,500,720, A>G. VCF-style: chr6-73500720-A-G. GRCh37 (hg19) VCF-style: chr6-74210443-A-G.
Other names: c.2184A>G, p.Gln728= (NM_001123226.2); c.2139A>G, p.Gln713= (NM_133645.3).
Identifiers: ClinVar variation 414887 (VCV000414887.12), dbSNP rs372208655, ClinGen allele CA3889819.
Genomic context (GRCh38, chr6:73,500,720, plus strand): 5'-GTCGGCTATGAATGAATCATCCAAGACTGATCAATACTTATGTGATGCAGACAGACTTCA[A>G]GAGAGAGAGTTATAGCTTTCAATTCATAAAAGATTTTTAAAGAGCATATAAATAATTTGA-3'
Protein context (NP_036255.2, residues 678-692): DQYLCDADRL[Gln688=]EREL

ClinVar aggregate classification (germline): Likely benign. Review status: criteria provided, multiple submitters, no conflicts (2 of 4 stars). 3 submissions from 3 submitters: Likely benign (3). Last evaluated 2026-02-03.

Conditions:
Mitochondrial hypertrophic cardiomyopathy with lactic acidosis due to MTO1 deficiency. Also called: Combined oxidative phosphorylation deficiency 10; CARDIOMYOPATHY, INFANTILE HYPERTROPHIC MITOCHONDRIAL, AND LACTIC ACIDOSIS. Identifiers: Orphanet 314637, MedGen C4749921, MONDO:0013865, OMIM 614702.

Allele frequency attached by ClinVar (database versions not stated): gnomAD exomes below 0.00001; ExAC 0.00001; gnomAD 0.00001; TOPMed 0.00003.
gnomAD v4.1: 17 of 1,595,288 alleles (0.0011%); highest among the groups gnomAD compares: Admixed American, 0.0035%; no homozygotes.

Submissions (3):

Labcorp Genetics (formerly Invitae), Labcorp
Classification: Likely benign for Mitochondrial hypertrophic cardiomyopathy with lactic acidosis due to MTO1 deficiency. Last evaluated: 2026-02-03. Review status: criteria provided, single submitter. Criteria: Invitae Variant Classification Sherloc (09022015). Collection method: clinical testing. Allele origin: germline.

Blueprint Genetics
Classification: Likely benign. Last evaluated: 2024-11-01. Review status: criteria provided, single submitter. Criteria: ACMG Guidelines, 2015. Collection method: clinical testing. Allele origin: germline.

GeneDx
Classification: Likely benign. Last evaluated: 2017-10-03. Review status: criteria provided, single submitter. Criteria: GeneDx Variant Classification (06012015). Collection method: clinical testing. Allele origin: germline. Affected: yes.
Comment: This variant is considered likely benign or benign based on one or more of the following criteria: it is a conservative change, it occurs at a poorly conserved position in the protein, it is predicted to be benign by multiple in silico algorithms, and/or has population frequency not consistent with disease.